The following is an entry in ClinVar:

NM_005444.3(CNOT9):c.67_70del (p.Tyr23fs)

Gene: CNOT9 (CCR4-NOT transcription complex subunit 9; plus strand). Cytogenetic location: 2q35.
Variant type: Deletion.
Coding change: c.67_70del on transcript NM_005444.3 (MANE Select); coding-DNA positions 67 to 70, 4 bases deleted (TATC; older notation c.67_70delTATC).
Protein change: p.Tyr23fs; shifts the reading frame from tyrosine 23.
Molecular consequence: frameshift variant. On other transcripts: non-coding transcript variant (1).
Genome position (GRCh38, 1-based): chr2:218,580,603-218,580,606, TATC deleted; deleting any 4 consecutive bases within chr2:218,580,600-218,580,606 gives the same sequence; the c. name uses the placement nearest the transcript's 3' end. VCF-style (leftmost placement, unchanged base first): chr2-218580599-GATCT-G. GRCh37 (hg19) VCF-style: chr2-219445322-GATCT-G.
Other names: c.67_70del, p.Tyr23fs (NM_001271634.2, NM_001271635.2); short protein forms Y23fs.
Identifiers: ClinVar variation 3731014 (VCV003731014.1).
Genomic context (GRCh38, chr2:218,580,599, plus strand): 5'-ACTTTCTTGTCTTCATCTGAAGCCTGTGCCTACTACACTGGCACAAGTGGATAGAGAAAA[GATCT>G]ATCAGTGGATCAATGAGCTGTCCAGTCCTGAGACTAGGGAAAATGCTTTGCTGGAGCTAA-3'

ClinVar aggregate classification (germline): Uncertain significance (1 of 4 stars; one submission).

Submission:

GeneDx
Classification: Uncertain significance. Last evaluated: 2024-08-17. Review status: criteria provided, single submitter. Criteria: GeneDx Variant Classification Process June 2021. Collection method: clinical testing. Allele origin: germline. Affected: yes.
Comment: Not observed at significant frequency in large population cohorts (gnomAD); Frameshift variant predicted to result in protein truncation or nonsense mediated decay in a gene for which loss-of-function is not an established mechanism of disease; Has not been previously published as pathogenic or benign to our knowledge